The following is an entry in ClinVar:

NM_014208.3(DSPP):c.2096G>A (p.Ser699Asn)

Genes: DMP1-AS1 (DMP1 and DSPP antisense RNA 1; minus strand), DSPP (dentin sialophosphoprotein; plus strand). Cytogenetic location: 4q22.1.
Variant type: single nucleotide variant.
Coding change: c.2096G>A on transcript NM_014208.3 (MANE Select); coding-DNA position 2096, G replaced by A.
Protein change: p.Ser699Asn; replaces serine 699 with asparagine.
Molecular consequence: missense variant.
Genome position (GRCh38, 1-based): chr4:87,614,758, G>A. VCF-style: chr4-87614758-G-A. GRCh37 (hg19) VCF-style: chr4-88535910-G-A.
Other names: c.2096G>A, p.Ser699Asn (LRG_1242t1); short protein forms S699N.
Identifiers: ClinVar variation 420620 (VCV000420620.2), dbSNP rs990605247, ClinGen allele CA16618058.
Genomic context (GRCh38, chr4:87,614,758, plus strand): 5'-GTAGCAGTGACAGCAGCAACAGCAGTGATAGTAGTGACAGTAGTGACAGCAGCAATAGCA[G>A]TGAGAGCAGTGATAGTAGTGACAGCAGTGATAGTGACAGCAGTGATAGTAGTGACAGCAG-3'
Protein context (NP_055023.2, residues 689-709): SSDSSDSSNS[Ser699Asn]ESSDSSDSSD

ClinVar aggregate classification (germline): Uncertain significance (1 of 4 stars; one submission).

Allele frequency attached by ClinVar (database versions not stated): gnomAD exomes 0.00003; gnomAD 0.00005; TOPMed 0.00006.

Submission:

GeneDx
Classification: Uncertain significance. Last evaluated: 2016-03-08. Review status: criteria provided, single submitter. Criteria: GeneDx Variant Classification (06012015). Collection method: clinical testing. Allele origin: germline. Affected: yes.
Comment: The S699N variant in the DSPP gene has not been reported previously as a pathogenic variant, nor as a benign variant, to our knowledge. The S699N variant is a conservative amino acid substitution, which is not likely to impact secondary protein structure as these residues share similar properties, and in silico analysis predicts this variant likely does not alter the protein structure/function. However, this substitution occurs at a position that is conserved across mammalian species. Data from control individuals in the 1000 Genomes Project and the NHLBI Exome Sequencing Project were not available to assess whether the S699N variant may be a common benign variant in the general population; however, this variant has not been detected previously in the internal database at GeneDx. We interpret S699N as a variant of uncertain significance.